The following is an entry in ClinVar:

ClinVar aggregate classification (germline): Conflicting classifications of pathogenicity. Review status: criteria provided, conflicting classifications (1 of 4 stars). 2 submissions from 2 submitters: Pathogenic (1); Uncertain significance (1). Last evaluated 2025-09-08.

Conditions:
Hereditary cancer-predisposing syndrome. Also called: Tumor predisposition; Hereditary neoplastic syndrome; Hereditary Cancer Syndrome; Neoplastic Syndromes, Hereditary. Identifiers: Orphanet 140162, MedGen C0027672, MeSH D009386, MONDO:0015356.

Allele frequency attached by ClinVar (database versions not stated): gnomAD 0.00001.
gnomAD v4.1: 1 of 1,613,988 alleles (0.000062%); highest among the groups gnomAD compares: African/African-American, 0.0013%; no homozygotes.

Submissions (2):

Ambry Genetics
Classification: Uncertain significance for Hereditary cancer-predisposing syndrome. Last evaluated: 2025-09-08. Review status: criteria provided, single submitter. Criteria: Ambry Variant Classification Scheme 2023. Collection method: clinical testing. Allele origin: germline.
Comment: The p.Y1003* variant (also known as c.3009T>G), located in coding exon 25 of the POLE gene, results from a T to G substitution at nucleotide position 3009. This changes the amino acid from a tyrosine to a stop codon within coding exon 25. This alteration is expected to result in loss of function by premature protein truncation or nonsense-mediated mRNA decay. Although biallelic loss of function of POLE has been associated with autosomal recessive POLE deficiency, haploinsufficiency of POLE has not been established as a mechanism of disease for POLE-related polymerase proofreading-associated polyposis (PPAP) and POLE-related CMMRD-like syndrome. Based on the supporting evidence, this variant is expected to be causative of POLE deficiency when present along with a second pathogenic variant on the other allele; however, its clinical significance for PPAP and POLE-related CMMRD-like syndrome is unclear.

Labcorp Genetics (formerly Invitae), Labcorp
Classification: Pathogenic. Last evaluated: 2022-10-27. Review status: criteria provided, single submitter. Criteria: Invitae Variant Classification Sherloc (09022015). Collection method: clinical testing. Allele origin: germline.
Comment: This sequence change creates a premature translational stop signal (p.Tyr1003*) in the POLE gene. It is expected to result in an absent or disrupted protein product. Loss-of-function variants in POLE are known to be pathogenic (PMID: 23230001, 25948378, 30503519). This variant is not present in population databases (gnomAD no frequency). This variant has not been reported in the literature in individuals affected with POLE-related conditions. For these reasons, this variant has been classified as Pathogenic.

Literature cited by the submitters: PubMed 23230001 (cited by Labcorp Genetics (formerly Invitae), Labcorp); PubMed 25948378 (cited by Labcorp Genetics (formerly Invitae), Labcorp); PubMed 30503519 (cited by Labcorp Genetics (formerly Invitae), Labcorp).

NM_006231.4(POLE):c.3009T>G (p.Tyr1003Ter)

Gene: POLE (DNA polymerase epsilon, catalytic subunit; minus strand). Cytogenetic location: 12q24.33.
Variant type: single nucleotide variant.
Coding change: c.3009T>G on transcript NM_006231.4 (MANE Select); coding-DNA position 3009, T replaced by G.
Protein change: p.Tyr1003Ter; replaces tyrosine 1003 with a stop codon.
Molecular consequence: nonsense.
Genome position (GRCh38, 1-based): chr12:132,661,020, A>C on the plus strand (T>G on the coding strand, the complement: POLE is on the minus strand). VCF-style: chr12-132661020-A-C. GRCh37 (hg19) VCF-style: chr12-133237606-A-C.
Other names: c.3009T>G (NM_006231.2); short protein forms Y1003*.
Identifiers: ClinVar variation 2966180 (VCV002966180.4), dbSNP rs1476231535, ClinGen allele CA387392291.